The following is an entry in ClinVar:

ClinVar aggregate classification (germline): Likely pathogenic (1 of 4 stars; one submission).

Conditions:
Tay-Sachs disease (TSD). Also called: GM2 gangliosidosis, type 1; Hexosaminidase alpha-subunit deficiency (variant B); Sphingolipidosis, Tay-Sachs; Hexosaminidase A Deficiency; HEXA DEFICIENCY; HEXA Disorders. Identifiers: Orphanet 845, MedGen C0039373, MONDO:0010100, OMIM 272800.

Submission:

Labcorp Genetics (formerly Invitae), Labcorp
Classification: Likely pathogenic for Tay-Sachs disease. Last evaluated: 2023-09-08. Review status: criteria provided, single submitter. Criteria: Invitae Variant Classification Sherloc (09022015). Collection method: clinical testing. Allele origin: germline.
Comment: In summary, the currently available evidence indicates that the variant is pathogenic, but additional data are needed to prove that conclusively. Therefore, this variant has been classified as Likely Pathogenic. This variant disrupts the p.Leu127 amino acid residue in HEXA. Other variant(s) that disrupt this residue have been determined to be pathogenic (PMID: 16088929). This suggests that this residue is clinically significant, and that variants that disrupt this residue are likely to be disease-causing. Advanced modeling of protein sequence and biophysical properties (such as structural, functional, and spatial information, amino acid conservation, physicochemical variation, residue mobility, and thermodynamic stability) performed at Invitae indicates that this missense variant is expected to disrupt HEXA protein function. ClinVar contains an entry for this variant (Variation ID: 2137733). This variant has not been reported in the literature in individuals affected with HEXA-related conditions. This variant is not present in population databases (gnomAD no frequency). This sequence change replaces leucine, which is neutral and non-polar, with phenylalanine, which is neutral and non-polar, at codon 127 of the HEXA protein (p.Leu127Phe).

Literature cited by the submitters: PubMed 16088929.

NM_000520.6(HEXA):c.379C>T (p.Leu127Phe)

Gene: HEXA (hexosaminidase subunit alpha; minus strand). Cytogenetic location: 15q23.
Variant type: single nucleotide variant.
Coding change: c.379C>T on transcript NM_000520.6 (MANE Select); coding-DNA position 379, C replaced by T.
Protein change: p.Leu127Phe; replaces leucine 127 with phenylalanine.
Molecular consequence: missense variant. On other transcripts: non-coding transcript variant (1).
Genome position (GRCh38, 1-based): chr15:72,355,592, G>A on the plus strand (C>T on the coding strand, the complement: HEXA is on the minus strand). VCF-style: chr15-72355592-G-A. GRCh37 (hg19) VCF-style: chr15-72647933-G-A.
Other names: c.412C>T, p.Leu138Phe (NM_001318825.2); short protein forms L138F, L127F.
Identifiers: ClinVar variation 2137733 (VCV002137733.4), dbSNP rs2542537863, ClinGen allele CA393066686.